The following is an entry in ClinVar:

ClinVar aggregate classification (germline): Pathogenic. Review status: reviewed by expert panel (3 of 4 stars). 3 submissions from 3 submitters: Pathogenic (1). 2 of the submissions do not count toward it. Last evaluated 2016-09-08.

Conditions:
Hereditary breast ovarian cancer syndrome. Also called: Hereditary breast and ovarian cancer syndrome (HBOC); Hereditary breast and ovarian cancer syndrome; Hereditary breast and ovarian cancer; Hereditary breast and/or ovarian cancer syndrome; Breast and ovarian cancer; BRCA1- and BRCA2-Associated Hereditary Breast and Ovarian Cancer. Identifiers: Orphanet 145, MedGen C0677776, MeSH D061325, MONDO:0003582. Disease mechanism: loss of function.
Breast-ovarian cancer, familial, susceptibility to, 1 (BROVCA1). Also called: OVARIAN CANCER, SUSCEPTIBILITY TO; BRCA1 Hereditary Breast and Ovarian Cancer. Identifiers: Orphanet 145, MedGen C2676676, MONDO:0011450, OMIM 604370. Disease mechanism: loss of function.

Submissions (3):

Evidence-based Network for the Interpretation of Germline Mutant Alleles (ENIGMA)
Classification: Pathogenic for Breast-ovarian cancer, familial, susceptibility to, 1. Last evaluated: 2016-09-08. Review status: reviewed by expert panel. Criteria: ENIGMA BRCA1/2 Classification Criteria (2015). Collection method: curation. Allele origin: germline.
Comment: Variant allele predicted to encode a truncated non-functional protein.

Women's Health and Genetics/Laboratory Corporation of America, LabCorp
Classification: Pathogenic for Hereditary breast ovarian cancer syndrome. Last evaluated: 2023-05-22. Review status: criteria provided, single submitter. Criteria: LabCorp Variant Classification Summary - May 2015. Collection method: clinical testing. Allele origin: germline. Not counted in ClinVar's aggregate classification.
Comment: Variant summary: BRCA1 c.2513delA (p.Asn838ThrfsX8) results in a premature termination codon, predicted to cause absence of the protein due to nonsense mediated decay, which is a commonly known mechanisms for disease. The variant was absent in 251102 control chromosomes (gnomAD). c.2513delA has been reported in the literature in individuals affected with Hereditary Breast And Ovarian Cancer Syndrome (Mori_2023). These data indicate that the variant is likely associated with disease. The following publication has been ascertained in the context of this evaluation (PMID: 36345163). One expert panel (ENIGMA) has submitted a clinical-significance assessment for this variant to ClinVar after 2014, and classified the variant as pathogenic. Based on the evidence outlined above, the variant was classified as pathogenic.

Breast Cancer Information Core (BIC) (BRCA1)
Classification: Pathogenic for Breast-ovarian cancer, familial 1. Last evaluated: 2004-02-20. Review status: no assertion criteria provided. Collection method: clinical testing. Allele origin: germline. Affected: yes. Observed: 1 variant allele. Not counted in ClinVar's aggregate classification.

Literature cited by the submitters: PubMed 36345163 (cited by Women's Health and Genetics/Laboratory Corporation of America, LabCorp).

NM_007294.4(BRCA1):c.2513del (p.Asn838fs)

Gene: BRCA1 (BRCA1 DNA repair associated; minus strand). Cytogenetic location: 17q21.31.
Variant type: Deletion.
Coding change: c.2513del on transcript NM_007294.4 (MANE Select); coding-DNA position 2513, one base deleted (A; older notation c.2513delA).
Protein change: p.Asn838fs; shifts the reading frame from asparagine 838.
Molecular consequence: frameshift variant. On other transcripts: intron variant (137).
Genome position (GRCh38, 1-based): chr17:43,093,018, T deleted on the plus strand (A on the coding strand, the reverse complement: BRCA1 is on the minus strand); the first of 2 consecutive T bases (chr17:43,093,018-43,093,019); deleting either gives the same sequence. VCF-style (leftmost placement, unchanged base first): chr17-43093017-GT-G. GRCh37 (hg19) VCF-style: chr17-41245034-GT-G.
Other names: 2632delA; c.2513delA (NM_007294.3); c.2300del, p.Asn767fs (NM_001407571.1, NM_001407853.1, NM_001407894.1 and 9 more transcripts); c.2513del, p.Asn838fs (NM_001407581.1, NM_001407582.1, NM_001407583.1 and 30 more transcripts); c.2510del, p.Asn837fs (NM_001407587.1, NM_001407590.1, NM_001407591.1 and 22 more transcripts); c.2504del, p.Asn835fs (NM_001407646.1, NM_001407647.1); c.2390del, p.Asn797fs (NM_001407648.1, NM_001407664.1, NM_001407665.1 and 19 more transcripts); c.2387del, p.Asn796fs (NM_001407649.1, NM_001407670.1, NM_001407671.1 and 11 more transcripts); and 43 more; short protein forms N791fs, N838fs, N749fs, N768fs, N797fs, N811fs, N750fs, N767fs.
Identifiers: ClinVar variation 54588 (VCV000054588.5), dbSNP rs80357863, ClinGen allele CA001663.
Genomic context (GRCh38, chr17:43,093,017, plus strand): 5'-CTGCAAATACTGAGCATCAAGTTCACTTTCTTCCATTTCTATGCTTGTTTCCCGACTGTG[GT>G]TAACTTCATGTCCCAATGGATACTTAAAGCCTTCTGTGTCATTTCTATTATCTTTGGAAC-3'